The following is an entry in ClinVar:

ClinVar aggregate classification (germline): Uncertain significance. Review status: criteria provided, multiple submitters, no conflicts (2 of 4 stars). 7 submissions from 7 submitters: Uncertain significance (6). 1 of the submissions does not count toward it. Last evaluated 2026-01-05.

Conditions:
HPS1-related disorder. Also called: HPS1-related condition.
Inborn genetic diseases. Identifiers: MedGen C0950123, MeSH D030342.
Hermansky-Pudlak syndrome (HPS). Also called: ALBINISM WITH HEMORRHAGIC DIATHESIS AND PIGMENTED RETICULOENDOTHELIAL CELLS. Identifiers: Orphanet 79430, MedGen C0079504, MONDO:0019312.
Hermansky-Pudlak syndrome 1 (HPS1). Also called: DELTA STORAGE POOL DISEASE. Identifiers: Orphanet 231500, Orphanet 79430, MedGen C2931875, MONDO:0008748, OMIM 203300.

Allele frequency attached by ClinVar (database versions not stated): ESP Exome Variant Server 0.00008; 1000 Genomes Project 30x 0.00016; 1000 Genomes Project 0.00020.
gnomAD v4.1: 76 of 1,613,422 alleles (0.0047%); highest among the groups gnomAD compares: Middle Eastern, 0.099%; no homozygotes.

Submissions (7):

Labcorp Genetics (formerly Invitae), Labcorp
Classification: Uncertain significance. Last evaluated: 2026-01-05. Review status: criteria provided, single submitter. Criteria: Invitae Variant Classification Sherloc (09022015). Collection method: clinical testing. Allele origin: germline.
Comment: This sequence change replaces valine, which is neutral and non-polar, with methionine, which is neutral and non-polar, at codon 270 of the HPS1 protein (p.Val270Met). This variant is present in population databases (rs145364430, gnomAD 0.01%). This variant has not been reported in the literature in individuals affected with HPS1-related conditions. ClinVar contains an entry for this variant (Variation ID: 298344). Invitae Evidence Modeling of protein sequence and biophysical properties (such as structural, functional, and spatial information, amino acid conservation, physicochemical variation, residue mobility, and thermodynamic stability) indicates that this missense variant is not expected to disrupt HPS1 protein function with a negative predictive value of 95%. In summary, the available evidence is currently insufficient to determine the role of this variant in disease. Therefore, it has been classified as a Variant of Uncertain Significance.

Fulgent Genetics
Classification: Uncertain significance for Hermansky-Pudlak syndrome 1. Last evaluated: 2024-03-20. Review status: criteria provided, single submitter. Criteria: ACMG Guidelines, 2015. Collection method: clinical testing. Allele origin: germline.

PreventionGenetics, part of Exact Sciences
Classification: Uncertain significance for HPS1-related condition. Last evaluated: 2023-04-25. Review status: criteria provided, single submitter. Criteria: ACMG Guidelines, 2015. Collection method: clinical testing. Allele origin: germline.
Comment: The HPS1 c.808G>A variant is predicted to result in the amino acid substitution p.Val270Met. To our knowledge, this variant has not been reported in the literature. This variant is reported in 0.019% of alleles in individuals of African descent in gnomAD. At this time, the clinical significance of this variant is uncertain due to the absence of conclusive functional and genetic evidence.

Ambry Genetics
Classification: Uncertain significance for Inborn genetic diseases. Last evaluated: 2022-08-16. Review status: criteria provided, single submitter. Criteria: Ambry Variant Classification Scheme 2023. Collection method: clinical testing. Allele origin: germline.

Illumina Laboratory Services, Illumina
Classification: Uncertain significance for Hermansky-Pudlak syndrome 1. Last evaluated: 2018-01-12. Review status: criteria provided, single submitter. Criteria: ICSL Variant Classification Criteria 13 December 2019. Collection method: clinical testing. Allele origin: germline.

Breakthrough Genomics
Classification: Uncertain significance. Review status: criteria provided, single submitter. Criteria: ACMG Guidelines, 2015. Collection method: not provided. Allele origin: germline. Inheritance: Autosomal recessive inheritance. Affected: yes.

Natera, Inc.
Classification: Uncertain significance for Hermansky-Pudlak syndrome. Last evaluated: 2020-04-11. Review status: no assertion criteria provided. Collection method: clinical testing. Allele origin: germline. Not counted in ClinVar's aggregate classification.

NM_000195.5(HPS1):c.808G>A (p.Val270Met)

Gene: HPS1 (HPS1 biogenesis of lysosomal organelles complex 3 subunit 1; minus strand). Cytogenetic location: 10q24.2.
Variant type: single nucleotide variant.
Coding change: c.808G>A on transcript NM_000195.5 (MANE Select); coding-DNA position 808, G replaced by A.
Protein change: p.Val270Met; replaces valine 270 with methionine.
Molecular consequence: missense variant. On other transcripts: 5 prime UTR variant (1), synonymous variant (1), intron variant (8).
Genome position (GRCh38, 1-based): chr10:98,429,850, C>T on the plus strand (G>A on the coding strand, the complement: HPS1 is on the minus strand). VCF-style: chr10-98429850-C-T. GRCh37 (hg19) VCF-style: chr10-100189607-C-T.
Other names: c.808G>A, p.Val270Met (NM_001322476.2, NM_001322477.2, NM_182639.4); c.547G>A, p.Val183Met (NM_001322480.2, NM_001322481.2); c.439G>A, p.Val147Met (NM_001322483.2, NM_001322484.2); c.-165G>A (NM_001322487.2); c.690G>A, p.Pro230= (NM_001322490.2); c.769-208G>A (NM_001322478.2, NM_001322479.2, NM_001322491.2); c.400-208G>A (NM_001322485.2); c.508-208G>A (NM_001322482.2); and 3 more; short protein forms V270M, V183M, V147M.
Identifiers: ClinVar variation 298344 (VCV000298344.14), dbSNP rs145364430, ClinGen allele CA5639274.